The following is an entry in ClinVar:

NM_005901.6(SMAD2):c.939A>T (p.Leu313Phe)

Gene: SMAD2 (SMAD family member 2; minus strand). Cytogenetic location: 18q21.1.
Variant type: single nucleotide variant.
Coding change: c.939A>T on transcript NM_005901.6 (MANE Select); coding-DNA position 939, A replaced by T.
Protein change: p.Leu313Phe; replaces leucine 313 with phenylalanine.
Molecular consequence: missense variant.
Genome position (GRCh38, 1-based): chr18:47,848,533, T>A on the plus strand (A>T on the coding strand, the complement: SMAD2 is on the minus strand). VCF-style: chr18-47848533-T-A. GRCh37 (hg19) VCF-style: chr18-45374904-T-A.
Other names: c.939A>T, p.Leu313Phe (NM_001003652.4); c.849A>T, p.Leu283Phe (NM_001135937.3); short protein forms L283F, L313F.
Identifiers: ClinVar variation 5008013 (VCV005008013.1).

ClinVar aggregate classification (germline): Uncertain significance (1 of 4 stars; one submission).

Submission:

GeneDx
Classification: Uncertain significance. Last evaluated: 2026-02-25. Review status: criteria provided, single submitter. Criteria: GeneDx Variant Classification Process June 2021. Collection method: clinical testing. Allele origin: germline.
Comment: Not observed at significant frequency in large population cohorts (gnomAD); In silico analysis supports that this missense variant has a deleterious effect on protein structure/function; Has not been previously published as pathogenic or benign to our knowledge